The following is an entry in ClinVar:

NM_004186.5(SEMA3F):c.1367G>A (p.Arg456His)

Gene: SEMA3F (semaphorin 3F; plus strand). Cytogenetic location: 3p21.31.
Variant type: single nucleotide variant.
Coding change: c.1367G>A on transcript NM_004186.5 (MANE Select); coding-DNA position 1367, G replaced by A.
Protein change: p.Arg456His; replaces arginine 456 with histidine.
Molecular consequence: missense variant.
Genome position (GRCh38, 1-based): chr3:50,184,725, G>A. VCF-style: chr3-50184725-G-A. GRCh37 (hg19) VCF-style: chr3-50222158-G-A.
Other names: c.1070G>A, p.Arg357His (NM_001318798.2); c.1274G>A, p.Arg425His (NM_001318800.2); short protein forms R357H, R425H, R456H.
Identifiers: ClinVar variation 3350293 (VCV003350293.2).

ClinVar aggregate classification (germline): Uncertain significance (1 of 4 stars; one submission).

Conditions:
SEMA3F-related disorder. Also called: SEMA3F-related condition.

gnomAD v4.1: 6 of 1,613,952 alleles (0.00037%); highest among the groups gnomAD compares: African/African-American, 0.0027%; no homozygotes.

Submission:

PreventionGenetics, part of Exact Sciences
Classification: Uncertain significance for SEMA3F-related condition. Last evaluated: 2025-10-31. Review status: criteria provided, single submitter. Criteria: ACMG Guidelines, 2015. Collection method: clinical testing. Allele origin: germline.
Comment: The SEMA3F c.1367G>A variant is predicted to result in the amino acid substitution p.Arg456His. To our knowledge, this variant has not been reported in the literature or in a large population database (gnomAD), indicating this variant is rare. At this time, the clinical significance of this variant is uncertain due to the absence of conclusive functional and genetic evidence.